The following is an entry in ClinVar:

ClinVar aggregate classification (germline): Uncertain significance (1 of 4 stars; one submission).

Submission:

Women's Health and Genetics/Laboratory Corporation of America, LabCorp
Classification: Uncertain significance. Last evaluated: 2026-03-06. Review status: criteria provided, single submitter. Criteria: LabCorp Variant Classification Summary - May 2015. Collection method: clinical testing. Allele origin: germline.
Comment: Variant summary: INS c.188T>C (p.Val63Ala) results in a non-conservative amino acid change in the encoded protein sequence. Algorithms developed to predict the effect of missense changes on protein structure and function are either unavailable or do not agree on the potential impact of this missense change. Consensus agreement among computation tools predict no significant impact on normal splicing. However, these predictions have yet to be confirmed by functional studies. The variant allele was found at a frequency of 5e-06 in 198266 control chromosomes. The available data on variant occurrences in the general population are insufficient to allow any conclusion about variant significance. To our knowledge, no occurrence of c.188T>C in individuals affected with INS-related conditions and no experimental evidence demonstrating its impact on protein function have been reported. No submitters have cited clinical-significance assessments for this variant to ClinVar. Based on the evidence outlined above, the variant was classified as uncertain significance.

NM_000207.3(INS):c.188T>C (p.Val63Ala)

Genes: INS (insulin; minus strand), INS-IGF2 (INS-IGF2 readthrough; minus strand). Cytogenetic location: 11p15.5.
Variant type: single nucleotide variant.
Coding change: c.188T>C on transcript NM_000207.3 (MANE Select); coding-DNA position 188, T replaced by C.
Protein change: p.Val63Ala; replaces valine 63 with alanine.
Molecular consequence: missense variant. On other transcripts: intron variant (1).
Genome position (GRCh38, 1-based): chr11:2,159,997, A>G on the plus strand (T>C on the coding strand, the complement: INS is on the minus strand). VCF-style: chr11-2159997-A-G. GRCh37 (hg19) VCF-style: chr11-2181227-A-G.
Other names: c.188T>C, p.Val63Ala (NM_001185097.2, NM_001185098.2, NM_001291897.2); c.187+788T>C (NM_001042376.3); short protein forms V63A.
Identifiers: ClinVar variation 4847418 (VCV004847418.1).